The following is an entry in ClinVar:

NC_000017.10:g.(?_2573437)_(2579920_?)dup

Gene: PAFAH1B1 (platelet activating factor acetylhydrolase 1b regulatory subunit 1; plus strand). Cytogenetic location: 17p13.3.
Variant type: Duplication.
Identifiers: ClinVar variation 3243124 (VCV003243124.1).

ClinVar aggregate classification (germline): Uncertain significance (1 of 4 stars; one submission).

Submission:

Labcorp Genetics (formerly Invitae), Labcorp
Classification: Uncertain significance. Last evaluated: 2023-08-10. Review status: criteria provided, single submitter. Criteria: Invitae Variant Classification Sherloc (09022015). Collection method: clinical testing. Allele origin: unknown.
Comment: In summary, the available evidence is currently insufficient to determine the role of this variant in disease. Therefore, it has been classified as a Variant of Uncertain Significance. Experimental studies and prediction algorithms are not available or were not evaluated, and the functional significance of this variant is currently unknown. This variant has not been reported in the literature in individuals affected with PAFAH1B1-related conditions. This variant results in a copy number gain of the genomic region encompassing exon(s) 6-9 of the PAFAH1B1 gene. While the exact position of this variant cannot be determined from the data, sub-genic copy number gains are generally in tandem (PMID: 25640679). This variant is predicted to be in-frame, and likely preserves the integrity of the reading frame.

Literature cited by the submitters: PubMed 25640679.